The following is an entry in ClinVar:

ClinVar aggregate classification (germline): Uncertain significance. Review status: criteria provided, multiple submitters, no conflicts (2 of 4 stars). 3 submissions from 3 submitters: Uncertain significance (3). Last evaluated 2022-11-15.

Conditions:
Progressive myoclonic epilepsy type 8. Identifiers: Orphanet 424027, MedGen C5190825, MONDO:0014545, OMIM 616230.

Allele frequency attached by ClinVar (database versions not stated): gnomAD exomes 0.00013 and 0.00033; TOPMed 0.00014; ESP Exome Variant Server 0.00016; gnomAD 0.00016 and 0.00017; ExAC 0.00020.
gnomAD v4.1: 507 of 1,607,730 alleles (0.032%); highest among the groups gnomAD compares: Non-Finnish European, 0.039%; 1 homozygote.

Submissions (3):

Labcorp Genetics (formerly Invitae), Labcorp
Classification: Uncertain significance for Progressive myoclonic epilepsy type 8. Last evaluated: 2022-11-15. Review status: criteria provided, single submitter. Criteria: Invitae Variant Classification Sherloc (09022015). Collection method: clinical testing. Allele origin: germline.
Comment: In summary, the available evidence is currently insufficient to determine the role of this variant in disease. Therefore, it has been classified as a Variant of Uncertain Significance. Advanced modeling of protein sequence and biophysical properties (such as structural, functional, and spatial information, amino acid conservation, physicochemical variation, residue mobility, and thermodynamic stability) performed at Invitae indicates that this missense variant is not expected to disrupt CERS1 protein function. ClinVar contains an entry for this variant (Variation ID: 542127). This variant has not been reported in the literature in individuals affected with CERS1-related conditions. This variant is present in population databases (rs374895377, gnomAD 0.02%). This sequence change replaces alanine, which is neutral and non-polar, with valine, which is neutral and non-polar, at codon 86 of the CERS1 protein (p.Ala86Val).

Ambry Genetics
Classification: Uncertain significance. Last evaluated: 2021-07-09. Review status: criteria provided, single submitter. Criteria: Ambry Variant Classification Scheme 2023. Collection method: clinical testing. Allele origin: germline.

CeGaT Center for Human Genetics Tuebingen
Classification: Uncertain significance. Last evaluated: 2019-08-01. Review status: criteria provided, single submitter. Criteria: CeGaT Center For Human Genetics Tuebingen Variant Classification Criteria Version 2. Collection method: clinical testing. Allele origin: germline. Affected: yes. Observed: 1 variant allele.

NM_021267.5(CERS1):c.257C>T (p.Ala86Val)

Genes: CERS1 (ceramide synthase 1; minus strand), GDF1 (growth differentiation factor 1; minus strand). Cytogenetic location: 19p13.11.
Variant type: single nucleotide variant.
Coding change: c.257C>T on transcript NM_021267.5 (MANE Select); coding-DNA position 257, C replaced by T.
Protein change: p.Ala86Val; replaces alanine 86 with valine.
Molecular consequence: missense variant. On other transcripts: 5 prime UTR variant (7).
Genome position (GRCh38, 1-based): chr19:18,893,568, G>A on the plus strand (C>T on the coding strand, the complement: CERS1 is on the minus strand). VCF-style: chr19-18893568-G-A. GRCh37 (hg19) VCF-style: chr19-19004377-G-A.
Other names: c.-38C>T (NM_001290265.2, NM_001387442.1, NM_001387443.1 and 2 more transcripts); c.257C>T, p.Ala86Val (NM_001387439.1, NM_001387440.1, NM_001387441.1 and 1 more transcripts); c.-646C>T (NM_001387438.1); c.-1066C>T (NM_001492.6); short protein forms A86V.
Identifiers: ClinVar variation 542127 (VCV000542127.46), dbSNP rs374895377, ClinGen allele CA9318323.